The following is an entry in ClinVar:

NM_001042492.3(NF1):c.7496_7497insA (p.Ser2500fs)

Gene: NF1 (neurofibromin 1; plus strand). Cytogenetic location: 17q11.2.
Variant type: Insertion.
Coding change: c.7496_7497insA on transcript NM_001042492.3 (MANE Select); coding-DNA positions 7496 to 7497, A inserted.
Protein change: p.Ser2500fs; shifts the reading frame from serine 2500.
Molecular consequence: frameshift variant.
Genome position: GRCh38 VCF-style: chr17-31352295-G-GA. GRCh37 (hg19) VCF-style: chr17-29679313-G-GA.
Other names: c.7433_7434insA, p.Ser2479Phefs (NM_000267.4); short protein forms S2500fs, S2479fs.
Identifiers: ClinVar variation 2750215 (VCV002750215.3), dbSNP rs2508811540, ClinGen allele CA2697559612.
Genomic context (GRCh38, chr17:31,352,295, plus strand): 5'-CTCTATTGTTTTCATCTTTCAGGACACTAAAGGAGACTCAGCCATGGTCCTCTCCCAAAG[G>GA]TTCTGAAGGATACCTTGCAGCCACCTATCCAACTGTCGGCCAGACCAGTCCCCGAGCCAG-3'

ClinVar aggregate classification (germline): Pathogenic (1 of 4 stars; one submission).

Conditions:
Neurofibromatosis, type 1 (NF1). Also called: Peripheral type neurofibromatosis; NEUROFIBROMATOSIS, TYPE I, SOMATIC; VON RECKLINGHAUSEN DISEASE; Neurofibromatosis, type I. Identifiers: Orphanet 636, MedGen C0027831, MONDO:0018975, OMIM 162200. Disease mechanism: loss of function.

Submission:

Labcorp Genetics (formerly Invitae), Labcorp
Classification: Pathogenic for Neurofibromatosis, type 1. Last evaluated: 2023-08-04. Review status: criteria provided, single submitter. Criteria: Invitae Variant Classification Sherloc (09022015). Collection method: clinical testing. Allele origin: germline.
Comment: This premature translational stop signal has been observed in individual(s) with clinical features of neurofibromatosis type 1 (PMID: 32575496). For these reasons, this variant has been classified as Pathogenic. This sequence change creates a premature translational stop signal (p.Ser2479Phefs*2) in the NF1 gene. It is expected to result in an absent or disrupted protein product. Loss-of-function variants in NF1 are known to be pathogenic (PMID: 10712197, 23913538). This variant is not present in population databases (gnomAD no frequency).

Literature cited by the submitters: PubMed 32575496; PubMed 10712197; PubMed 23913538.